The following is an entry in ClinVar:

NM_138477.4(CDAN1):c.1524A>G (p.Gln508=)

Gene: CDAN1 (codanin 1; minus strand). Cytogenetic location: 15q15.2.
Variant type: single nucleotide variant.
Coding change: c.1524A>G on transcript NM_138477.4 (MANE Select); coding-DNA position 1524, A replaced by G.
Protein change: p.Gln508=; no amino-acid change (glutamine 508 retained).
Molecular consequence: synonymous variant.
Genome position (GRCh38, 1-based): chr15:42,732,342, T>C on the plus strand (A>G on the coding strand, the complement: CDAN1 is on the minus strand). VCF-style: chr15-42732342-T-C. GRCh37 (hg19) VCF-style: chr15-43024540-T-C.
Other names: c.1524A>G, p.Gln508= (LRG_1164t1).
Identifiers: ClinVar variation 315947 (VCV000315947.41), dbSNP rs147500837, ClinGen allele CA7516029.

ClinVar aggregate classification (germline): Benign/Likely benign. Review status: criteria provided, multiple submitters, no conflicts (2 of 4 stars). 5 submissions from 5 submitters: Benign (1); Likely benign (4). Last evaluated 2026-05-01.

Conditions:
Congenital dyserythropoietic anemia, type I. Also called: Dyserythropoietic anemia, congenital type 1. Identifiers: Orphanet 98869, MedGen C0271933, MONDO:0020337. Disease mechanism: loss of function.
Anemia, congenital dyserythropoietic, type 1a (CDAN1A). Also called: DYSERYTHROPOIETIC ANEMIA, CONGENITAL, TYPE Ia; CDAN1-Related Congenital Dyserythropoietic Anemia. Identifiers: MedGen C5574667, MONDO:0009135, OMIM 224120.

Allele frequency attached by ClinVar (database versions not stated): 1000 Genomes Project 0.00060; 1000 Genomes Project 30x 0.00062; ESP Exome Variant Server 0.00215; gnomAD exomes 0.00232 and 0.00284; TOPMed 0.00235; ExAC 0.00245; gnomAD 0.00266 and 0.00283.

Submissions (17):

CeGaT Center for Human Genetics Tuebingen
Classification: Likely benign. Last evaluated: 2026-05-01. Review status: criteria provided, single submitter. Criteria: CeGaT Center For Human Genetics Tuebingen Variant Classification Criteria Version 2. Collection method: clinical testing. Allele origin: germline. Affected: yes. Observed: 10 variant alleles.
Comment: CDAN1: BP4, BP7, BS2

Labcorp Genetics (formerly Invitae), Labcorp
Classification: Benign. Last evaluated: 2026-01-19. Review status: criteria provided, single submitter. Criteria: Invitae Variant Classification Sherloc (09022015). Collection method: clinical testing. Allele origin: germline.

ARUP Laboratories, Molecular Genetics and Genomics, ARUP Laboratories
Classification: Likely benign for Anemia, congenital dyserythropoietic, type 1a. Last evaluated: 2025-05-07. Review status: criteria provided, single submitter. Criteria: ARUP Molecular Germline Variant Investigation Process 2024. Collection method: clinical testing. Allele origin: germline.

Blueprint Genetics
Classification: Likely benign. Last evaluated: 2024-11-22. Review status: criteria provided, single submitter. Criteria: ACMG Guidelines, 2015. Collection method: clinical testing. Allele origin: germline.

Illumina Laboratory Services, Illumina
Classification: Likely benign for Anemia, congenital dyserythropoietic, type 1a. Last evaluated: 2018-01-13. Review status: criteria provided, single submitter. Criteria: ICSL Variant Classification Criteria 13 December 2019. Collection method: clinical testing. Allele origin: germline.
Comment: This variant was observed in the ICSL laboratory as part of a predisposition screen in an ostensibly healthy population. It had not been previously curated by ICSL or reported in the Human Gene Mutation Database (HGMD: prior to June 1st, 2018), and was therefore a candidate for classification through an automated scoring system. Utilizing variant allele frequency, disease prevalence and penetrance estimates, and inheritance mode, an automated score was calculated to assess if this variant is too frequent to cause the disease. Based on the score and internal cut-off values, a variant classified as likely benign is not then subjected to further curation. The score for this variant resulted in a classification of likely benign for this disease.

Dr. Peter K. Rogan Lab, Western University
No classification provided (evidence only). Condition: Clear cell carcinoma of kidney. Review status: no classification provided. Collection method: in vitro. Allele origin: not applicable. Functional consequence: retained intron. Not counted in ClinVar's aggregate classification.

Dr. Peter K. Rogan Lab, Western University
No classification provided (evidence only). Condition: Lung cancer. Review status: no classification provided. Collection method: in vitro. Allele origin: not applicable. Functional consequence: retained intron. Not counted in ClinVar's aggregate classification.

Dr. Peter K. Rogan Lab, Western University
No classification provided (evidence only). Condition: Melanoma. Review status: no classification provided. Collection method: in vitro. Allele origin: not applicable. Functional consequence: retained intron. Not counted in ClinVar's aggregate classification.

Dr. Peter K. Rogan Lab, Western University
No classification provided (evidence only). Condition: Melanoma. Review status: no classification provided. Collection method: in vitro. Allele origin: not applicable. Functional consequence: retained intron. Not counted in ClinVar's aggregate classification.

Dr. Peter K. Rogan Lab, Western University
No classification provided (evidence only). Condition: Thyroid cancer, nonmedullary, 1. Review status: no classification provided. Collection method: in vitro. Allele origin: not applicable. Functional consequence: retained intron. Not counted in ClinVar's aggregate classification.

Dr. Peter K. Rogan Lab, Western University
No classification provided (evidence only). Condition: Sarcoma. Review status: no classification provided. Collection method: in vitro. Allele origin: not applicable. Functional consequence: retained intron. Not counted in ClinVar's aggregate classification.

Dr. Peter K. Rogan Lab, Western University
No classification provided (evidence only). Condition: Sarcoma. Review status: no classification provided. Collection method: in vitro. Allele origin: not applicable. Functional consequence: retained intron. Not counted in ClinVar's aggregate classification.

Dr. Peter K. Rogan Lab, Western University
No classification provided (evidence only). Condition: Ovarian serous cystadenocarcinoma. Review status: no classification provided. Collection method: in vitro. Allele origin: not applicable. Functional consequence: retained intron. Not counted in ClinVar's aggregate classification.

Dr. Peter K. Rogan Lab, Western University
No classification provided (evidence only). Condition: Ovarian serous cystadenocarcinoma. Review status: no classification provided. Collection method: in vitro. Allele origin: not applicable. Functional consequence: retained intron. Not counted in ClinVar's aggregate classification.

Dr. Peter K. Rogan Lab, Western University
No classification provided (evidence only). Condition: Gastric cancer. Review status: no classification provided. Collection method: in vitro. Allele origin: not applicable. Functional consequence: retained intron. Not counted in ClinVar's aggregate classification.

Dr. Peter K. Rogan Lab, Western University
No classification provided (evidence only). Condition: Adrenocortical carcinoma, hereditary. Review status: no classification provided. Collection method: in vitro. Allele origin: not applicable. Functional consequence: retained intron. Not counted in ClinVar's aggregate classification.

Dr. Peter K. Rogan Lab, Western University
No classification provided (evidence only). Condition: Malignant tumor of esophagus. Review status: no classification provided. Collection method: in vitro. Allele origin: not applicable. Functional consequence: retained intron. Not counted in ClinVar's aggregate classification.